The following is an entry in ClinVar:

NM_025219.3(DNAJC5):c.52C>T (p.His18Tyr)

Gene: DNAJC5 (DnaJ heat shock protein family (Hsp40) member C5; plus strand). Cytogenetic location: 20q13.33.
Variant type: single nucleotide variant.
Coding change: c.52C>T on transcript NM_025219.3 (MANE Select); coding-DNA position 52, C replaced by T.
Protein change: p.His18Tyr; replaces histidine 18 with tyrosine.
Molecular consequence: missense variant.
Genome position (GRCh38, 1-based): chr20:63,928,397, C>T. VCF-style: chr20-63928397-C-T. GRCh37 (hg19) VCF-style: chr20-62559750-C-T.
Other names: short protein forms H18Y.
Identifiers: ClinVar variation 2912673 (VCV002912673.3), dbSNP rs780154907, ClinGen allele CA409715376.
Genomic context (GRCh38, chr20:63,928,397, plus strand): 5'-TAGCCTAACATGGCAGACCAGAGACAGCGCTCACTGTCTACCTCTGGGGAGTCATTGTAC[C>T]ACGTCCTTGGGTTGGACAAGAACGCAACCTCAGATGACATTAAAAAGTCCTATCGGTAAG-3'
Protein context (NP_079495.1, residues 8-28): SLSTSGESLY[His18Tyr]VLGLDKNATS

ClinVar aggregate classification (germline): Uncertain significance (1 of 4 stars; one submission).

Conditions:
Neuronal ceroid lipofuscinosis. Also called: Neuronal Ceroid Lipofuscinoses. Identifiers: Orphanet 216, Orphanet 79263, MedGen C0027877, MONDO:0016295. Disease mechanism: loss of function.

Submission:

Labcorp Genetics (formerly Invitae), Labcorp
Classification: Uncertain significance for Neuronal ceroid lipofuscinosis. Last evaluated: 2023-04-11. Review status: criteria provided, single submitter. Criteria: Invitae Variant Classification Sherloc (09022015). Collection method: clinical testing. Allele origin: germline.
Comment: In summary, the available evidence is currently insufficient to determine the role of this variant in disease. Therefore, it has been classified as a Variant of Uncertain Significance. An algorithm developed to predict the effect of missense changes on protein structure and function (PolyPhen-2) suggests that this variant is likely to be tolerated. This variant has not been reported in the literature in individuals affected with DNAJC5-related conditions. This variant is not present in population databases (gnomAD no frequency). This sequence change replaces histidine, which is basic and polar, with tyrosine, which is neutral and polar, at codon 18 of the DNAJC5 protein (p.His18Tyr).